The following is an entry in ClinVar:

ClinVar aggregate classification (germline): Conflicting classifications of pathogenicity. Review status: criteria provided, conflicting classifications (1 of 4 stars). 2 submissions from 2 submitters: Uncertain significance (1); Likely benign (1). Last evaluated 2025-06-23.

Conditions:
Inborn genetic diseases. Identifiers: MedGen C0950123, MeSH D030342.

Allele frequency attached by ClinVar (database versions not stated): ExAC 0.00001; gnomAD exomes 0.00001; gnomAD 0.00003; TOPMed 0.00005; ESP Exome Variant Server 0.00008; 1000 Genomes Project 30x 0.00016; 1000 Genomes Project 0.00020.
gnomAD v4.1: 18 of 1,613,742 alleles (0.0011%); highest among the groups gnomAD compares: African/African-American, 0.017%; no homozygotes.

Submissions (2):

Labcorp Genetics (formerly Invitae), Labcorp
Classification: Likely benign. Last evaluated: 2025-06-23. Review status: criteria provided, single submitter. Criteria: Invitae Variant Classification Sherloc (09022015). Collection method: clinical testing. Allele origin: germline.

Ambry Genetics
Classification: Uncertain significance for Inborn genetic diseases. Last evaluated: 2024-04-05. Review status: criteria provided, single submitter. Criteria: Ambry Variant Classification Scheme 2023. Collection method: clinical testing. Allele origin: germline.
Comment: The c.1081-5C>T intronic alteration consists of a C to T substitution 5 nucleotides before coding exon 8 in the COQ8A gene. Based on insufficient or conflicting evidence, the clinical significance of this alteration remains unclear.

NM_020247.5(COQ8A):c.1081-5C>T

Gene: COQ8A (coenzyme Q8A; plus strand). Cytogenetic location: 1q42.13.
Variant type: single nucleotide variant.
Coding change: c.1081-5C>T on transcript NM_020247.5 (MANE Select); 5 bases into the intron before coding-DNA position 1081, C replaced by T.
Molecular consequence: intron variant.
Genome position (GRCh38, 1-based): chr1:226,983,547, C>T. VCF-style: chr1-226983547-C-T. GRCh37 (hg19) VCF-style: chr1-227171248-C-T.
Other names: c.1081-5C>T (NM_020247.4).
Identifiers: ClinVar variation 2180995 (VCV002180995.5), dbSNP rs147405732, ClinGen allele CA1425301.